The following is an entry in ClinVar:

NM_000444.6(PHEX):c.2198G>A (p.Cys733Tyr)

Genes: PHEX (phosphate regulating endopeptidase X-linked; plus strand), PTCHD1-AS (PTCHD1 and PHEX antisense RNA; minus strand). Cytogenetic location: Xp22.11.
Variant type: single nucleotide variant.
Coding change: c.2198G>A on transcript NM_000444.6 (MANE Select); coding-DNA position 2198, G replaced by A.
Protein change: p.Cys733Tyr; replaces cysteine 733 with tyrosine.
Molecular consequence: missense variant. On other transcripts: 3 prime UTR variant (1).
Genome position (GRCh38, 1-based): chrX:22,247,901, G>A. VCF-style: chrX-22247901-G-A. GRCh37 (hg19) VCF-style: chrX-22266018-G-A.
Other names: c.*33G>A (NM_001282754.2); short protein forms C733Y.
Identifiers: ClinVar variation 372778 (VCV000372778.42), dbSNP rs1057517981, ClinGen allele CA16043226.

ClinVar aggregate classification (germline): Pathogenic/Likely pathogenic. Review status: criteria provided, multiple submitters, no conflicts (2 of 4 stars). 2 submissions from 2 submitters: Pathogenic (1); Likely pathogenic (1). Last evaluated 2019-11-01.

Submissions (2):

CeGaT Center for Human Genetics Tuebingen
Classification: Pathogenic. Last evaluated: 2019-11-01. Review status: criteria provided, single submitter. Criteria: CeGaT Center For Human Genetics Tuebingen Variant Classification Criteria Version 2. Collection method: clinical testing. Allele origin: germline. Affected: yes. Observed: 3 variant alleles.

GeneDx
Classification: Likely pathogenic. Last evaluated: 2016-06-28. Review status: criteria provided, single submitter. Criteria: GeneDx Variant Classification (06012015). Collection method: clinical testing. Allele origin: germline. Affected: yes.
Comment: The C733Y variant has been published previously in association with hypophosphatemic rickets (Jap et al., 2011; Huang et al., 2015). The variant was not observed in approximately 6,500 individuals of European and African American ancestry in the NHLBI Exome Sequencing Project, indicating it is not a common benign variant in these populations. C733Y is a non-conservative amino acid substitution, which is likely to impact secondary protein structure as these residues differ in polarity, charge, size and/or other properties. This substitution occurs at a position that is conserved across species, and in silico analysis predicts this variant is probably damaging to the protein structure/function. Missense variants in the same residue (C733R/S) and in a nearby residue (F731S/Y) have been reported in the Human Gene Mutation Database in association with hypophosphatemic rickets (Stenson et al., 2014), supporting the functional importance of this region of the protein. Therefore, this variant is likely pathogenic.